The following is an entry in ClinVar:

NM_006073.4(TRDN):c.2096del (p.Gly699fs)

Gene: TRDN (triadin; minus strand). Cytogenetic location: 6q22.31.
Variant type: Deletion.
Coding change: c.2096del on transcript NM_006073.4 (MANE Select); coding-DNA position 2096, one base deleted (G; older notation c.2096delG).
Protein change: p.Gly699fs; shifts the reading frame from glycine 699.
Molecular consequence: frameshift variant.
Genome position (GRCh38, 1-based): chr6:123,218,695, C deleted on the plus strand (G on the coding strand, the reverse complement: TRDN is on the minus strand); the first of 2 consecutive C bases (chr6:123,218,695-123,218,696); deleting either gives the same sequence. VCF-style (leftmost placement, unchanged base first): chr6-123218694-GC-G. GRCh37 (hg19) VCF-style: chr6-123539839-GC-G.
Other names: c.2096delG (NM_006073.3); short protein forms G699fs.
Identifiers: ClinVar variation 658514 (VCV000658514.7), dbSNP rs772899515, ClinGen allele CA3983596.

ClinVar aggregate classification (germline): Uncertain significance (1 of 4 stars; one submission).

Conditions:
Catecholaminergic polymorphic ventricular tachycardia 1. Also called: RYR2-Related Catecholaminergic Polymorphic Ventricular Tachycardia; VENTRICULAR TACHYCARDIA, CATECHOLAMINERGIC POLYMORPHIC, 1, WITH OR WITHOUT ATRIAL DYSFUNCTION AND/OR DILATED CARDIOMYOPATHY; VENTRICULAR TACHYCARDIA, STRESS-INDUCED POLYMORPHIC 1. Identifiers: Orphanet 3286, MedGen C1631597, MONDO:0011484, OMIM 604772.

Submission:

Labcorp Genetics (formerly Invitae), Labcorp
Classification: Uncertain significance for Catecholaminergic polymorphic ventricular tachycardia 1. Last evaluated: 2021-08-28. Review status: criteria provided, single submitter. Criteria: Invitae Variant Classification Sherloc (09022015). Collection method: clinical testing. Allele origin: germline.
Comment: This sequence change creates a premature translational stop signal (p.Gly699Alafs*45) in the TRDN gene. While this is not anticipated to result in nonsense mediated decay, it is expected to disrupt the last 31 amino acid(s) of the TRDN protein. This variant is present in population databases (rs772899515, ExAC 0.02%). This variant has not been reported in the literature in individuals affected with TRDN-related conditions. Experimental studies and prediction algorithms are not available or were not evaluated, and the functional significance of this variant is currently unknown. In summary, the available evidence is currently insufficient to determine the role of this variant in disease. Therefore, it has been classified as a Variant of Uncertain Significance.